The following is an entry in ClinVar:

NM_133497.4(KCNV2):c.178G>C (p.Asp60His)

Gene: KCNV2 (potassium voltage-gated channel modifier subfamily V member 2; plus strand). Cytogenetic location: 9p24.2.
Variant type: single nucleotide variant.
Coding change: c.178G>C on transcript NM_133497.4 (MANE Select); coding-DNA position 178, G replaced by C.
Protein change: p.Asp60His; replaces aspartic acid 60 with histidine.
Molecular consequence: missense variant.
Genome position (GRCh38, 1-based): chr9:2,717,917, G>C. VCF-style: chr9-2717917-G-C. GRCh37 (hg19) VCF-style: chr9-2717917-G-C.
Other names: c.178G>C (NM_133497.3); short protein forms D60H.
Identifiers: ClinVar variation 1020861 (VCV001020861.8), dbSNP rs1819764524, ClinGen allele CA372795868.

ClinVar aggregate classification (germline): Uncertain significance. Review status: criteria provided, multiple submitters, no conflicts (2 of 4 stars). 3 submissions from 3 submitters: Uncertain significance (3). Last evaluated 2025-10-17.

Conditions:
Inborn genetic diseases. Identifiers: MedGen C0950123, MeSH D030342.

Allele frequency attached by ClinVar (database versions not stated): gnomAD exomes 0.00001.
gnomAD v4.1: 9 of 1,614,206 alleles (0.00056%); highest among the groups gnomAD compares: Non-Finnish European, 0.00076%; no homozygotes.

Submissions (3):

Ambry Genetics
Classification: Uncertain significance for Inborn genetic diseases. Last evaluated: 2025-10-17. Review status: criteria provided, single submitter. Criteria: Ambry Variant Classification Scheme 2023. Collection method: clinical testing. Allele origin: germline.

Labcorp Genetics (formerly Invitae), Labcorp
Classification: Uncertain significance. Last evaluated: 2020-03-03. Review status: criteria provided, single submitter. Criteria: Invitae Variant Classification Sherloc (09022015). Collection method: clinical testing. Allele origin: germline.
Comment: In summary, the available evidence is currently insufficient to determine the role of this variant in disease. Therefore, it has been classified as a Variant of Uncertain Significance. Algorithms developed to predict the effect of missense changes on protein structure and function are either unavailable or do not agree on the potential impact of this missense change (SIFT: "Deleterious"; PolyPhen-2: "Possibly Damaging"; Align-GVGD: "Class C0"). This variant has not been reported in the literature in individuals with KCNV2-related conditions. This variant is not present in population databases (ExAC no frequency). This sequence change replaces aspartic acid with histidine at codon 60 of the KCNV2 protein (p.Asp60His). The aspartic acid residue is moderately conserved and there is a moderate physicochemical difference between aspartic acid and histidine.

Blueprint Genetics
Classification: Uncertain significance. Last evaluated: 2018-06-01. Review status: criteria provided, single submitter. Criteria: ACMG Guidelines, 2015. Collection method: clinical testing. Allele origin: germline.